The following is an entry in ClinVar:

ClinVar aggregate classification (germline): Uncertain significance. Review status: criteria provided, multiple submitters, no conflicts (2 of 4 stars). 2 submissions from 2 submitters: Uncertain significance (2). Last evaluated 2024-10-28.

Conditions:
Isolated microphthalmia 5. Also called: Posterior Microphthalmia with Retinitis Pigmentosa, Foveoschisis, and Optic Disc Drusen. Identifiers: Orphanet 251279, MedGen C1970236, MONDO:0012605, OMIM 611040.

gnomAD v4.1: 9 of 1,612,890 alleles (0.00056%); highest among the groups gnomAD compares: Non-Finnish European, 0.00076%; no homozygotes.

Submissions (2):

Blueprint Genetics
Classification: Uncertain significance. Last evaluated: 2024-10-28. Review status: criteria provided, single submitter. Criteria: ACMG Guidelines, 2015. Collection method: clinical testing. Allele origin: germline.

Labcorp Genetics (formerly Invitae), Labcorp
Classification: Uncertain significance for Isolated microphthalmia 5. Last evaluated: 2022-07-05. Review status: criteria provided, single submitter. Criteria: Invitae Variant Classification Sherloc (09022015). Collection method: clinical testing. Allele origin: germline.
Comment: This sequence change replaces proline, which is neutral and non-polar, with serine, which is neutral and polar, at codon 568 of the MFRP protein (p.Pro568Ser). In summary, the available evidence is currently insufficient to determine the role of this variant in disease. Therefore, it has been classified as a Variant of Uncertain Significance. Algorithms developed to predict the effect of missense changes on protein structure and function are either unavailable or do not agree on the potential impact of this missense change (SIFT: "Deleterious"; PolyPhen-2: "Probably Damaging"; Align-GVGD: "Class C0"). ClinVar contains an entry for this variant (Variation ID: 1437531). This variant has not been reported in the literature in individuals affected with MFRP-related conditions. This variant is not present in population databases (gnomAD no frequency).

NM_031433.4(MFRP):c.1702C>T (p.Pro568Ser)

Genes: C1QTNF5 (C1q and TNF related 5; minus strand), MFRP (membrane frizzled-related protein; minus strand). Cytogenetic location: 11q23.3.
Variant type: single nucleotide variant.
Coding change: c.1702C>T on transcript NM_031433.4 (MANE Select); coding-DNA position 1702, C replaced by T.
Protein change: p.Pro568Ser; replaces proline 568 with serine.
Molecular consequence: missense variant. On other transcripts: 5 prime UTR variant (1).
Genome position (GRCh38, 1-based): chr11:119,341,586, G>A on the plus strand (C>T on the coding strand, the complement: MFRP is on the minus strand). VCF-style: chr11-119341586-G-A. GRCh37 (hg19) VCF-style: chr11-119212296-G-A.
Other names: c.-935C>T (NM_015645.5); short protein forms P568S.
Identifiers: ClinVar variation 1437531 (VCV001437531.9), dbSNP rs1159600080, ClinGen allele CA382971346.
Genomic context (GRCh38, chr11:119,341,586, plus strand): 5'-AGGGCAGGGGCCGGCTTCAGGGTCAGGGCTGGGCACAAGCTTCCAGGTCAGCTGCCTCTG[G>A]CAGCCTGTTGCAGTTGAAGGGCCAGGGGGTGCCCAGTAGTGCCAGGCCAGACTGGCACTG-3'
Protein context (NP_113621.1, residues 558-578): TPWPFNCNRL[Pro568Ser]EAADLEACAQ